The following is an entry in ClinVar:

ClinVar aggregate classification (germline): Pathogenic (1 of 4 stars; one submission).

Submission:

Labcorp Genetics (formerly Invitae), Labcorp
Classification: Pathogenic. Last evaluated: 2022-02-19. Review status: criteria provided, single submitter. Criteria: Invitae Variant Classification Sherloc (09022015). Collection method: clinical testing. Allele origin: germline.
Comment: For these reasons, this variant has been classified as Pathogenic. This variant has not been reported in the literature in individuals affected with ANK1-related conditions. This variant is a gross deletion of the genomic region encompassing exon(s) 39 of the ANK1 gene. This deletion is out-of-frame, and is expected to create a premature termination codon and result in an absent or disrupted protein product. Loss-of-function variants in ANK1 are known to be pathogenic (PMID: 8640229).

Literature cited by the submitters: PubMed 8640229.

NC_000008.10:g.(?_41525765)_(41526102_?)del

Gene: ANK1 (ankyrin 1; minus strand). Cytogenetic location: 8p11.21.
Variant type: Deletion.
Identifiers: ClinVar variation 2422165 (VCV002422165.3).